The following is an entry in ClinVar:

NM_001034853.2(RPGR):c.1891dup (p.Thr631fs)

Gene: RPGR (retinitis pigmentosa GTPase regulator; minus strand). Cytogenetic location: Xp11.4.
Variant type: Duplication.
Coding change: c.1891dup on transcript NM_001034853.2 (MANE Select); coding-DNA position 1891, one base duplicated (A; older notation c.1891dupA).
Protein change: p.Thr631fs; shifts the reading frame from threonine 631.
Molecular consequence: frameshift variant. On other transcripts: non-coding transcript variant (2), intron variant (5).
Genome position (GRCh38, 1-based): chrX:38,287,108, T duplicated on the plus strand (A on the coding strand, the reverse complement: RPGR is on the minus strand). VCF-style (leftmost placement, unchanged base first): chrX-38287107-G-GT. GRCh37 (hg19) VCF-style: chrX-38146360-G-GT.
Other names: c.1891dup, p.Thr631fs (NM_000328.3); c.1888dup, p.Thr630fs (NM_001367245.1); c.1705dup, p.Thr569fs (NM_001367246.1); c.1569+3851dup (NM_001367249.1, NM_001367250.1); c.1386+3851dup (NM_001367251.1); c.1572+3851dup (NM_001367247.1); c.1602+3851dup (NM_001367248.1); short protein forms T569fs, T630fs, T631fs.
Identifiers: ClinVar variation 4292700 (VCV004292700.1).

ClinVar aggregate classification (germline): Likely pathogenic (1 of 4 stars; one submission).

Conditions:
Retinitis pigmentosa 3. Also called: CHOROIDORETINAL DEGENERATION WITH RETINAL REFLEX IN HETEROZYGOUS WOMEN. Identifiers: Orphanet 791, MedGen C1845667, MONDO:0010227, OMIM 300029.

Submission:

3billion
Classification: Likely pathogenic for Retinitis pigmentosa 3. Last evaluated: 2024-12-24. Review status: criteria provided, single submitter. Criteria: ACMG Guidelines, 2015. Collection method: clinical testing. Allele origin: germline. Affected: yes.
Comment: The variant is not observed in the gnomAD v4.1.0 dataset. Predicted Consequence/Location: Frameshift: predicted to result in a loss or disruption of normal protein function through protein truncation. Multiple pathogenic variants are reported in the predicted truncated region. Therefore, this variant is classified as Likely pathogenic according to the recommendation of ACMG/AMP guideline.